The following is an entry in ClinVar:

NM_006531.5(IFT88):c.1463C>G (p.Thr488Ser)

Gene: IFT88 (intraflagellar transport 88; plus strand). Cytogenetic location: 13q12.11.
Variant type: single nucleotide variant.
Coding change: c.1463C>G on transcript NM_006531.5 (MANE Select); coding-DNA position 1463, C replaced by G.
Protein change: p.Thr488Ser; replaces threonine 488 with serine.
Molecular consequence: missense variant. On other transcripts: non-coding transcript variant (4).
Genome position (GRCh38, 1-based): chr13:20,638,408, C>G. VCF-style: chr13-20638408-C-G. GRCh37 (hg19) VCF-style: chr13-21212547-C-G.
Other names: c.1406C>G, p.Thr469Ser (NM_001318491.2, NM_001353575.2); c.1490C>G, p.Thr497Ser (NM_001318493.2, NM_001353565.2, NM_001353566.2 and 2 more transcripts); c.1463C>G, p.Thr488Ser (NM_001353568.2, NM_001353572.2); c.1388C>G, p.Thr463Ser (NM_001353569.2, NM_001353570.2, NM_001353576.2 and 1 more transcripts); c.1361C>G, p.Thr454Ser (NM_001353571.2, NM_001353578.2); c.1319C>G, p.Thr440Ser (NM_001353573.2); c.1304C>G, p.Thr435Ser (NM_001353574.2); c.830C>G, p.Thr277Ser (NM_001353579.2); short protein forms T277S, T435S, T497S, T440S, T488S, T463S, T469S, T454S.
Identifiers: ClinVar variation 4994476 (VCV004994476.1).

ClinVar aggregate classification (germline): Uncertain significance (1 of 4 stars; one submission).

Conditions:
IFT88-related disorder. Also called: IFT88-related condition.

gnomAD v4.1: 1 of 1,523,568 alleles (0.000066%); highest among the groups gnomAD compares: Non-Finnish European, 0.000088%; no homozygotes.

Submission:

PreventionGenetics, part of Exact Sciences
Classification: Uncertain significance for IFT88-related condition. Last evaluated: 2026-04-29. Review status: criteria provided, single submitter. Criteria: ACMG Guidelines, 2015. Collection method: clinical testing. Allele origin: germline.
Comment: The IFT88 c.1490C>G variant is predicted to result in the amino acid substitution p.Thr497Ser. To our knowledge, this variant has not been reported in the literature or in a large population database (gnomAD), indicating this variant is rare. At this time, the clinical significance of this variant is uncertain due to the absence of conclusive functional and genetic evidence.